The following is an entry in ClinVar:

NM_001298.3(CNGA3):c.1663A>G (p.Ile555Val)

Gene: CNGA3 (cyclic nucleotide gated channel subunit alpha 3; plus strand). Cytogenetic location: 2q11.2.
Variant type: single nucleotide variant.
Coding change: c.1663A>G on transcript NM_001298.3 (MANE Select); coding-DNA position 1663, A replaced by G.
Protein change: p.Ile555Val; replaces isoleucine 555 with valine.
Molecular consequence: missense variant.
Genome position (GRCh38, 1-based): chr2:98,396,833, A>G. VCF-style: chr2-98396833-A-G. GRCh37 (hg19) VCF-style: chr2-99013296-A-G.
Other names: c.1609A>G, p.Ile537Val (NM_001079878.2); c.1663A>G (NM_001298.2); short protein forms I555V, I537V.
Identifiers: ClinVar variation 1041045 (VCV001041045.9), dbSNP rs779710464, ClinGen allele CA1794061.
Genomic context (GRCh38, chr2:98,396,833, plus strand): 5'-GTCACCCAGTTCGTGGTCCTCAGCGATGGCAGCTACTTCGGGGAGATCAGCATTCTGAAC[A>G]TCAAGGGGAGCAAGTCGGGGAACCGCAGGACGGCCAACATCCGCAGCATTGGCTACTCAG-3'
Protein context (NP_001289.1, residues 545-565): SYFGEISILN[Ile555Val]KGSKSGNRRT

ClinVar aggregate classification (germline): Uncertain significance. Review status: criteria provided, multiple submitters, no conflicts (2 of 4 stars). 2 submissions from 2 submitters: Uncertain significance (2). Last evaluated 2025-02-05.

Conditions:
Inborn genetic diseases. Identifiers: MedGen C0950123, MeSH D030342.

Allele frequency attached by ClinVar (database versions not stated): TOPMed below 0.00001; gnomAD exomes 0.00001 and 0.00002; ExAC 0.00002.
gnomAD v4.1: 8 of 1,614,082 alleles (0.0005%); highest among the groups gnomAD compares: Admixed American, 0.013%; no homozygotes.

Submissions (2):

Ambry Genetics
Classification: Uncertain significance for Inborn genetic diseases. Last evaluated: 2025-02-05. Review status: criteria provided, single submitter. Criteria: Ambry Variant Classification Scheme 2023. Collection method: clinical testing. Allele origin: germline.

Labcorp Genetics (formerly Invitae), Labcorp
Classification: Uncertain significance. Last evaluated: 2022-08-23. Review status: criteria provided, single submitter. Criteria: Invitae Variant Classification Sherloc (09022015). Collection method: clinical testing. Allele origin: germline.
Comment: This sequence change replaces isoleucine, which is neutral and non-polar, with valine, which is neutral and non-polar, at codon 555 of the CNGA3 protein (p.Ile555Val). This variant is present in population databases (rs779710464, gnomAD 0.02%). This variant has not been reported in the literature in individuals affected with CNGA3-related conditions. ClinVar contains an entry for this variant (Variation ID: 1041045). Algorithms developed to predict the effect of missense changes on protein structure and function (SIFT, PolyPhen-2, Align-GVGD) all suggest that this variant is likely to be disruptive. In summary, the available evidence is currently insufficient to determine the role of this variant in disease. Therefore, it has been classified as a Variant of Uncertain Significance.